The following is an entry in ClinVar:

ClinVar aggregate classification (germline): Uncertain significance (1 of 4 stars; one submission).

Conditions:
Amelocerebrohypohidrotic syndrome (KTZS). Also called: EPILEPSY AND YELLOW TEETH; EPILEPSY, DEMENTIA, AND AMELOGENESIS IMPERFECTA; KOHLSCHUTTER SYNDROME; Kohlschutter's syndrome. Identifiers: Orphanet 1946, MedGen C0406740, MONDO:0009185, OMIM 226750.

Allele frequency attached by ClinVar (database versions not stated): TOPMed below 0.00001; gnomAD 0.00003; ExAC 0.00011.

Submission:

Labcorp Genetics (formerly Invitae), Labcorp
Classification: Uncertain significance for Amelocerebrohypohidrotic syndrome. Last evaluated: 2022-02-25. Review status: criteria provided, single submitter. Criteria: Invitae Variant Classification Sherloc (09022015). Collection method: clinical testing. Allele origin: germline.
Comment: In summary, the available evidence is currently insufficient to determine the role of this variant in disease. Therefore, it has been classified as a Variant of Uncertain Significance. This sequence change replaces glutamic acid, which is acidic and polar, with lysine, which is basic and polar, at codon 17 of the ROGDI protein (p.Glu17Lys). The frequency data for this variant in the population databases is considered unreliable, as metrics indicate poor data quality at this position in the gnomAD database. This variant has not been reported in the literature in individuals affected with ROGDI-related conditions. ClinVar contains an entry for this variant (Variation ID: 530789). Algorithms developed to predict the effect of missense changes on protein structure and function are either unavailable or do not agree on the potential impact of this missense change (SIFT: "Tolerated"; PolyPhen-2: "Not Available"; Align-GVGD: "Class C0").

NM_024589.3(ROGDI):c.49G>A (p.Glu17Lys)

Gene: ROGDI (rogdi atypical leucine zipper; minus strand). Cytogenetic location: 16p13.3.
Variant type: single nucleotide variant.
Coding change: c.49G>A on transcript NM_024589.3 (MANE Select); coding-DNA position 49, G replaced by A.
Protein change: p.Glu17Lys; replaces glutamic acid 17 with lysine.
Molecular consequence: missense variant. On other transcripts: non-coding transcript variant (1).
Genome position (GRCh38, 1-based): chr16:4,802,450, C>T on the plus strand (G>A on the coding strand, the complement: ROGDI is on the minus strand). VCF-style: chr16-4802450-C-T. GRCh37 (hg19) VCF-style: chr16-4852451-C-T.
Other names: short protein forms E17K.
Identifiers: ClinVar variation 530789 (VCV000530789.8), dbSNP rs745342114, ClinGen allele CA7883036.